The following is an entry in ClinVar:

ClinVar aggregate classification (germline): Benign/Likely benign. Review status: criteria provided, multiple submitters, no conflicts (2 of 4 stars). 4 submissions from 4 submitters: Benign (1); Likely benign (3). Last evaluated 2025-09-16.

Conditions:
Hereditary cancer-predisposing syndrome. Also called: Neoplastic Syndromes, Hereditary; Hereditary Cancer Syndrome; Hereditary neoplastic syndrome; Tumor predisposition. Identifiers: Orphanet 140162, MedGen C0027672, MeSH D009386, MONDO:0015356.
Familial thoracic aortic aneurysm and aortic dissection (TAAD). Also called: Thoracic aortic aneurysms and dissections. Identifiers: Orphanet 91387, MedGen C4707243, MONDO:0019625.
Juvenile polyposis syndrome (JPS). Identifiers: Orphanet 2929, MedGen C0345893, MONDO:0017380, OMIM 174900.
Juvenile polyposis/hereditary hemorrhagic telangiectasia syndrome (JPHT). Also called: POLYPOSIS, GENERALIZED JUVENILE, WITH PULMONARY ARTERIOVENOUS MALFORMATION; TELANGIECTASIA, HEREDITARY HEMORRHAGIC, WITH JUVENILE POLYPOSIS COLI; Juvenile Polyposis Syndrome / Hereditary Hemorrhagic Telangiectasia (JPS/HHT); JP/HHT SYNDROME; JUVENILE POLYPOSIS WITH HEREDITARY HEMORRHAGIC TELANGIECTASIA. Identifiers: Orphanet 2929, MedGen C1832942, MONDO:0008278, OMIM 175050.

Submissions (4):

Labcorp Genetics (formerly Invitae), Labcorp
Classification: Likely benign for Juvenile polyposis syndrome. Last evaluated: 2025-09-16. Review status: criteria provided, single submitter. Criteria: Invitae Variant Classification Sherloc (09022015). Collection method: clinical testing. Allele origin: germline.

Myriad Genetics, Inc.
Classification: Benign for Juvenile polyposis/hereditary hemorrhagic telangiectasia syndrome. Last evaluated: 2025-03-21. Review status: criteria provided, single submitter. Criteria: Myriad Autosomal Dominant, Autosomal Recessive and X-Linked Classification Criteria (2023). Collection method: clinical testing. Allele origin: unknown.
Comment: This variant is considered benign. This variant is a silent/synonymous amino acid change and it is not expected to impact splicing.

Color Diagnostics, LLC DBA Color Health
Classification: Likely benign for Hereditary cancer-predisposing syndrome. Last evaluated: 2016-12-10. Review status: criteria provided, single submitter. Criteria: ACMG Guidelines, 2015. Collection method: clinical testing. Allele origin: germline.

Ambry Genetics
Classification: Likely benign for Hereditary cancer-predisposing syndrome; Familial thoracic aortic aneurysm and aortic dissection. Last evaluated: 2015-10-02. Review status: criteria provided, single submitter. Criteria: Ambry Variant Classification Scheme 2023. Collection method: clinical testing. Allele origin: germline.

NM_005359.6(SMAD4):c.1287C>T (p.Ile429=)

Gene: SMAD4 (SMAD family member 4; plus strand). Cytogenetic location: 18q21.2.
Variant type: single nucleotide variant.
Coding change: c.1287C>T on transcript NM_005359.6 (MANE Select); coding-DNA position 1287, C replaced by T.
Protein change: p.Ile429=; no amino-acid change (isoleucine 429 retained).
Molecular consequence: synonymous variant.
Genome position (GRCh38, 1-based): chr18:51,067,166, C>T. VCF-style: chr18-51067166-C-T. GRCh37 (hg19) VCF-style: chr18-48593536-C-T.
Identifiers: ClinVar variation 460536 (VCV000460536.14), dbSNP rs1555686621, ClinGen allele CA503874287.